The following is an entry in ClinVar:

NC_000011.10:g.530522G>C

Genes: HRAS (HRas proto-oncogene, GTPase; minus strand), LRRC56 (leucine rich repeat containing 56; plus strand). Cytogenetic location: 11p15.5.
Variant type: single nucleotide variant.
Genome position: GRCh38 VCF-style: chr11-530522-G-C. GRCh37 (hg19) VCF-style: chr11-530522-G-C.
Identifiers: ClinVar variation 2641060 (VCV002641060.24), dbSNP rs12799430, ClinGen allele CA216941433.

ClinVar aggregate classification (germline): Likely benign (1 of 4 stars; one submission).

Allele frequency attached by ClinVar (database versions not stated): gnomAD 0.00083.
gnomAD v4.1: 55 of 64,028 alleles (0.086%); highest among the groups gnomAD compares: Admixed American, 0.18%; no homozygotes.

Submission:

CeGaT Center for Human Genetics Tuebingen
Classification: Likely benign. Last evaluated: 2023-03-01. Review status: criteria provided, single submitter. Criteria: CeGaT Center For Human Genetics Tuebingen Variant Classification Criteria Version 2. Collection method: clinical testing. Allele origin: germline. Affected: yes. Observed: 5 variant alleles.
Comment: HRAS: BS1